The following is an entry in ClinVar:

ClinVar aggregate classification (germline): Uncertain significance. Review status: criteria provided, multiple submitters, no conflicts (2 of 4 stars). 2 submissions from 2 submitters: Uncertain significance (2). Last evaluated 2023-07-26.

Conditions:
Carnitine palmitoyltransferase II deficiency. Also called: Carnitine Palmitoyltransferase 2 Deficiency. Identifiers: Orphanet 157, MedGen C0342790, MONDO:0015515.

Submissions (2):

Labcorp Genetics (formerly Invitae), Labcorp
Classification: Uncertain significance for Carnitine palmitoyltransferase II deficiency. Last evaluated: 2023-07-26. Review status: criteria provided, single submitter. Criteria: Invitae Variant Classification Sherloc (09022015). Collection method: clinical testing. Allele origin: germline.
Comment: In summary, the available evidence is currently insufficient to determine the role of this variant in disease. Therefore, it has been classified as a Variant of Uncertain Significance. Advanced modeling of protein sequence and biophysical properties (such as structural, functional, and spatial information, amino acid conservation, physicochemical variation, residue mobility, and thermodynamic stability) has been performed at Invitae for this missense variant, however the output from this modeling did not meet the statistical confidence thresholds required to predict the impact of this variant on CPT2 protein function. ClinVar contains an entry for this variant (Variation ID: 2440533). This missense change has been observed in individual(s) with clinical features of CPT2-related condition (Invitae). In at least one individual the data is consistent with being in trans (on the opposite chromosome) from a pathogenic variant. This variant is not present in population databases (gnomAD no frequency). This sequence change replaces serine, which is neutral and polar, with isoleucine, which is neutral and non-polar, at codon 293 of the CPT2 protein (p.Ser293Ile).

Revvity Omics, Revvity
Classification: Uncertain significance. Last evaluated: 2021-03-03. Review status: criteria provided, single submitter. Criteria: ACMG Guidelines, 2015. Collection method: clinical testing. Allele origin: germline.

NM_000098.3(CPT2):c.878G>T (p.Ser293Ile)

Gene: CPT2 (carnitine palmitoyltransferase 2; plus strand). Cytogenetic location: 1p32.3.
Variant type: single nucleotide variant.
Coding change: c.878G>T on transcript NM_000098.3 (MANE Select); coding-DNA position 878, G replaced by T.
Protein change: p.Ser293Ile; replaces serine 293 with isoleucine.
Molecular consequence: missense variant.
Genome position (GRCh38, 1-based): chr1:53,210,552, G>T. VCF-style: chr1-53210552-G-T. GRCh37 (hg19) VCF-style: chr1-53676224-G-T.
Other names: c.878G>T, p.Ser293Ile (NM_001330589.2); short protein forms S293I.
Identifiers: ClinVar variation 2440533 (VCV002440533.6), dbSNP rs774859940, ClinGen allele CA340394029.
Genomic context (GRCh38, chr1:53,210,552, plus strand): 5'-TGAAGTACATTCTCTCAGACAGCAGCCCCGCCCCCGAGTTTCCCCTGGCATACCTGACCA[G>T]TGAGAACCGAGACATCTGGGCAGAGCTCAGGCAGAAGCTGATGAGTAGTGGCAATGAGGA-3'
Protein context (NP_000089.1, residues 283-303): APEFPLAYLT[Ser293Ile]ENRDIWAELR